The following is an entry in ClinVar:

ClinVar aggregate classification (germline): Uncertain significance (1 of 4 stars; one submission).

Conditions:
Gastrointestinal stromal tumor. Also called: Gastrointestinal stromal tumor, somatic; Gastrointestinal stroma tumor. Identifiers: Orphanet 44890, MedGen C0238198, MeSH D046152, MONDO:0011719, OMIM 606764, HP:0100723.

Submission:

Labcorp Genetics (formerly Invitae), Labcorp
Classification: Uncertain significance for Gastrointestinal stromal tumor. Last evaluated: 2018-06-07. Review status: criteria provided, single submitter. Criteria: Invitae Variant Classification Sherloc (09022015). Collection method: clinical testing. Allele origin: germline.
Comment: This sequence change replaces threonine with proline at codon 411 of the PDGFRA protein (p.Thr411Pro). The threonine residue is weakly conserved and there is a small physicochemical difference between threonine and proline. This variant is not present in population databases (ExAC no frequency). In summary, the available evidence is currently insufficient to determine the role of this variant in disease. Therefore, it has been classified as a Variant of Uncertain Significance. Algorithms developed to predict the effect of missense changes on protein structure and function are either unavailable or do not agree on the potential impact of this missense change (SIFT: "Deleterious"; PolyPhen-2: "Possibly Damaging"; Align-GVGD: "Class C0"). This variant has not been reported in the literature in individuals with PDGFRA-related disease.

NM_006206.6(PDGFRA):c.1231A>C (p.Thr411Pro)

Gene: PDGFRA (platelet derived growth factor receptor alpha; plus strand). Cytogenetic location: 4q12.
Variant type: single nucleotide variant.
Coding change: c.1231A>C on transcript NM_006206.6 (MANE Select); coding-DNA position 1231, A replaced by C.
Protein change: p.Thr411Pro; replaces threonine 411 with proline.
Molecular consequence: missense variant.
Genome position (GRCh38, 1-based): chr4:54,270,742, A>C. VCF-style: chr4-54270742-A-C. GRCh37 (hg19) VCF-style: chr4-55136909-A-C.
Other names: c.1231A>C, p.Thr411Pro (NM_001347827.2, NM_001347829.2); c.1306A>C, p.Thr436Pro (NM_001347828.2); c.1270A>C, p.Thr424Pro (NM_001347830.2); short protein forms T411P, T424P, T436P.
Identifiers: ClinVar variation 582599 (VCV000582599.9), dbSNP rs889107760, ClinGen allele CA356892109.
Genomic context (GRCh38, chr4:54,270,742, plus strand): 5'-CATTATACTATTGTAGCTCAAAATGAAGATGCTGTGAAGAGCTATACTTTTGAACTGTTA[A>C]CTCAAGGTATGTAAAGGGAGTATAAAGATAATGCTAGCTCTGTAGATGAGTGTCTTCCAA-3'
Protein context (NP_006197.1, residues 401-421): AVKSYTFELL[Thr411Pro]QVPSSILDLV